The following is an entry in ClinVar:

NM_001323289.2(CDKL5):c.2325_2326dup (p.Lys776fs)

Gene: CDKL5 (cyclin dependent kinase like 5; plus strand). Cytogenetic location: Xp22.13.
Variant type: Microsatellite.
Coding change: c.2325_2326dup on transcript NM_001323289.2 (MANE Select); coding-DNA positions 2325 to 2326, 2 bases duplicated (GA; older notation c.2325_2326dupGA).
Protein change: p.Lys776fs; shifts the reading frame from lysine 776.
Molecular consequence: frameshift variant.
Genome position (GRCh38, 1-based): chrX:18,619,915-18,619,916, GA duplicated; duplicating any 2 consecutive bases within chrX:18,619,912-18,619,916 gives the same sequence; the c. name uses the placement nearest the transcript's 3' end. VCF-style (leftmost placement, unchanged base first): chrX-18619911-A-AAG. GRCh37 (hg19) VCF-style: chrX-18638031-A-AAG.
Other names: c.2325_2326dup, p.Lys776fs (NM_001037343.2, NM_003159.3); short protein forms K776fs.
Identifiers: ClinVar variation 3756395 (VCV003756395.2).

ClinVar aggregate classification (germline): Pathogenic (1 of 4 stars; one submission).

Conditions:
Developmental and epileptic encephalopathy, 2 (DEE2). Also called: CDKL5 deficiency disorder; INFANTILE SPASM SYNDROME, X-LINKED 2. Identifiers: Orphanet 1934, Orphanet 3451, Orphanet 505652, MedGen C4750718, MONDO:0010396, OMIM 300672.
Angelman syndrome-like. Identifiers: MedGen CN128785.

Submission:

Labcorp Genetics (formerly Invitae), Labcorp
Classification: Pathogenic for Developmental and epileptic encephalopathy, 2; Angelman syndrome-like. Last evaluated: 2024-05-17. Review status: criteria provided, single submitter. Criteria: Invitae Variant Classification Sherloc (09022015). Collection method: clinical testing. Allele origin: germline.
Comment: This sequence change creates a premature translational stop signal (p.Lys776Argfs*9) in the CDKL5 gene. It is expected to result in an absent or disrupted protein product. Loss-of-function variants in CDKL5 are known to be pathogenic (PMID: 22872100). This variant is not present in population databases (gnomAD no frequency). This variant has not been reported in the literature in individuals affected with CDKL5-related conditions. For these reasons, this variant has been classified as Pathogenic.

Literature cited by the submitters: PubMed 22872100.